The following is an entry in ClinVar:

NM_000094.4(COL7A1):c.1563_1564dup (p.Gln522fs)

Gene: COL7A1 (collagen type VII alpha 1 chain; minus strand). Cytogenetic location: 3p21.31.
Variant type: Duplication.
Coding change: c.1563_1564dup on transcript NM_000094.4 (MANE Select); coding-DNA positions 1563 to 1564, 2 bases duplicated (GC; older notation c.1563_1564dupGC).
Protein change: p.Gln522fs; shifts the reading frame from glutamine 522.
Molecular consequence: frameshift variant.
Genome position (GRCh38, 1-based): chr3:48,591,536-48,591,537, GC duplicated on the plus strand (GC on the coding strand, the reverse complement: COL7A1 is on the minus strand). VCF-style (leftmost placement, unchanged base first): chr3-48591535-T-TGC. GRCh37 (hg19) VCF-style: chr3-48628968-T-TGC.
Other names: short protein forms Q522fs.
Identifiers: ClinVar variation 5013105 (VCV005013105.1).

ClinVar aggregate classification (germline): Pathogenic (1 of 4 stars; one submission).

Conditions:
Recessive dystrophic epidermolysis bullosa (RDEB). Also called: DYSTROPHIC EPIDERMOLYSIS BULLOSA, AUTOSOMAL RECESSIVE; EPIDERMOLYSIS BULLOSA DYSTROPHICA, HALLOPEAU-SIEMENS TYPE; Hallopeau-Siemens Disease; severe generalized recessive dystrophic epidermolysis bullosa; EPIDERMOLYSIS BULLOSA DYSTROPHICA, GENERALIZED SEVERE, AUTOSOMAL RECESSIVE; Epidermolysis Bullosa Distrophica Autosomal Recessive (RDEB). Identifiers: Orphanet 79408, Orphanet 79409, MedGen C0079474, MONDO:0009179, OMIM 226600.

Submission:

Myriad Genetics, Inc.
Classification: Pathogenic for Recessive dystrophic epidermolysis bullosa. Last evaluated: 2024-05-24. Review status: criteria provided, single submitter. Criteria: Myriad Autosomal Dominant, Autosomal Recessive and X-Linked Classification Criteria (2023). Collection method: clinical testing. Allele origin: unknown.
Comment: NM_000094.3(COL7A1):c.1563_1564dupGC(Q522Rfs*94) is expected to be pathogenic in the context of dystrophic epidermolysis bullosa. This variant is predicted to lead to an abnormal or absent protein product due to the creation of a premature termination codon in COL7A1, a gene where loss-of-function variants are known to be pathogenic. Please note: this variant was assessed in the context of healthy population screening.